The following is an entry in ClinVar:

NM_130384.3(ATRIP):c.751G>A (p.Glu251Lys)

Genes: ATRIP (ATR interacting protein; plus strand), ATRIP-TREX1 (ATRIP-TREX1 readthrough; plus strand). Cytogenetic location: 3p21.31.
Variant type: single nucleotide variant.
Coding change: c.751G>A on transcript NM_130384.3 (MANE Select); coding-DNA position 751, G replaced by A.
Protein change: p.Glu251Lys; replaces glutamic acid 251 with lysine.
Molecular consequence: missense variant. On other transcripts: non-coding transcript variant (1).
Genome position (GRCh38, 1-based): chr3:48,457,338, G>A. VCF-style: chr3-48457338-G-A. GRCh37 (hg19) VCF-style: chr3-48498738-G-A.
Other names: c.472G>A, p.Glu158Lys (NM_001271023.2); c.751G>A, p.Glu251Lys (NM_032166.4); c.370G>A, p.Glu124Lys (NM_001271022.2); short protein forms E124K, E158K, E251K.
Identifiers: ClinVar variation 4867260 (VCV004867260.1).

ClinVar aggregate classification (germline): Uncertain significance (1 of 4 stars; one submission).

Submission:

Ambry Genetics
Classification: Uncertain significance. Last evaluated: 2026-05-30. Review status: criteria provided, single submitter. Criteria: Ambry Variant Classification Scheme 2023. Collection method: clinical testing. Allele origin: germline.
Comment: The p.E251K variant (also known as c.751G>A), located in coding exon 5 of the ATRIP gene, results from a G to A substitution at nucleotide position 751. The glutamic acid at codon 251 is replaced by lysine, an amino acid with similar properties. This amino acid position is conserved. In addition, the in silico prediction for this alteration is inconclusive. Based on the available evidence, the clinical significance of this variant remains unclear.